The following is an entry in ClinVar:

NM_001206999.2(CIT):c.4115T>C (p.Met1372Thr)

Gene: CIT (citron rho-interacting serine/threonine kinase; minus strand). Cytogenetic location: 12q24.23.
Variant type: single nucleotide variant.
Coding change: c.4115T>C on transcript NM_001206999.2 (MANE Select); coding-DNA position 4115, T replaced by C.
Protein change: p.Met1372Thr; replaces methionine 1372 with threonine.
Molecular consequence: missense variant.
Genome position (GRCh38, 1-based): chr12:119,718,298, A>G on the plus strand (T>C on the coding strand, the complement: CIT is on the minus strand). VCF-style: chr12-119718298-A-G. GRCh37 (hg19) VCF-style: chr12-120156103-A-G.
Other names: c.3989T>C, p.Met1330Thr (NM_007174.3); short protein forms M1330T, M1372T.
Identifiers: ClinVar variation 730601 (VCV000730601.16), dbSNP rs116251862, ClinGen allele CA6821335.
Genomic context (GRCh38, chr12:119,718,298, plus strand): 5'-AACGTACCCTCTGGAGTTGAAGACTCCTTTCTGCGGCTGGATGGCGGGGCCAGCAGGCTC[A>G]TGGCACTGGGCTGGTGCTCTGGCGACCGCACGATGGCGGACATGGCGATCTGCTGCCTCG-3'
Protein context (NP_001193928.1, residues 1362-1382): VRSPEHQPSA[Met1372Thr]SLLAPPSSRR

ClinVar aggregate classification (germline): Benign/Likely benign. Review status: criteria provided, multiple submitters, no conflicts (2 of 4 stars). 4 submissions from 4 submitters: Benign (2); Likely benign (1). 1 of the submissions does not count toward it. Last evaluated 2025-10-04.

Conditions:
CIT-related disorder. Also called: CIT-related condition.

Allele frequency attached by ClinVar (database versions not stated): gnomAD exomes 0.00024 and 0.00063; ExAC 0.00082; 1000 Genomes Project 0.00200; 1000 Genomes Project 30x 0.00219; ESP Exome Variant Server 0.00246; gnomAD 0.00286 and 0.00310; TOPMed 0.00307.

Submissions (4):

Labcorp Genetics (formerly Invitae), Labcorp
Classification: Benign. Last evaluated: 2025-10-04. Review status: criteria provided, single submitter. Criteria: Invitae Variant Classification Sherloc (09022015). Collection method: clinical testing. Allele origin: germline.

GeneDx
Classification: Benign. Last evaluated: 2020-02-28. Review status: criteria provided, single submitter. Criteria: GeneDx Variant Classification Process June 2021. Collection method: clinical testing. Allele origin: germline. Affected: yes.

Genetic Services Laboratory, University of Chicago
Classification: Likely benign. Last evaluated: 2017-12-21. Review status: criteria provided, single submitter. Criteria: ACMG Guidelines, 2015. Collection method: clinical testing. Allele origin: germline. Affected: no.

PreventionGenetics, part of Exact Sciences
Classification: Likely benign for CIT-related condition. Last evaluated: 2019-03-05. Review status: no assertion criteria provided. Collection method: clinical testing. Allele origin: germline. Not counted in ClinVar's aggregate classification.
Comment: This variant is classified as likely benign based on ACMG/AMP sequence variant interpretation guidelines (Richards et al. 2015 PMID: 25741868, with internal and published modifications).